The following is an entry in ClinVar:

ClinVar aggregate classification (germline): Pathogenic. Review status: criteria provided, multiple submitters, no conflicts (2 of 4 stars). 3 submissions from 3 submitters: Pathogenic (3). Last evaluated 2025-02-26.

Conditions:
WRN-related disorder. Also called: WRN-related condition.
Werner syndrome (WRN). Identifiers: Orphanet 902, MedGen C0043119, MONDO:0010196, OMIM 277700.

Allele frequency attached by ClinVar (database versions not stated): gnomAD exomes below 0.00001; ExAC 0.00001; TOPMed 0.00001.
gnomAD v4.1: 2 of 1,613,326 alleles (0.00012%); highest among the groups gnomAD compares: Non-Finnish European, 0.00017%; no homozygotes.

Submissions (3):

Labcorp Genetics (formerly Invitae), Labcorp
Classification: Pathogenic for Werner syndrome. Last evaluated: 2025-02-26. Review status: criteria provided, single submitter. Criteria: Invitae Variant Classification Sherloc (09022015). Collection method: clinical testing. Allele origin: germline.
Comment: This sequence change affects an acceptor splice site in intron 4 of the WRN gene. It is expected to disrupt RNA splicing. Variants that disrupt the donor or acceptor splice site typically lead to a loss of protein function (PMID: 16199547), and loss-of-function variants in WRN are known to be pathogenic (PMID: 16673358). This variant is present in population databases (rs780068269, gnomAD 0.0009%). Disruption of this splice site has been observed in individual(s) with Werner syndrome (PMID: 16786514, 20443122). ClinVar contains an entry for this variant (Variation ID: 954955). Studies have shown that disruption of this splice site alters mRNA splicing and is expected to lead to the loss of protein expression (PMID: 20443122). For these reasons, this variant has been classified as Pathogenic.

Baylor Genetics
Classification: Pathogenic for Werner syndrome. Last evaluated: 2023-04-24. Review status: criteria provided, single submitter. Criteria: ACMG Guidelines, 2015. Collection method: clinical testing. Allele origin: unknown.

Blueprint Genetics
Classification: Pathogenic for WRN-related disorders. Last evaluated: 2019-10-11. Review status: criteria provided, single submitter. Criteria: ACMG Guidelines, 2015. Collection method: clinical testing. Allele origin: germline. Affected: yes. Observed: 1 variant allele.

Literature cited by the submitters: PubMed 16199547 (cited by Labcorp Genetics (formerly Invitae), Labcorp); PubMed 16673358 (cited by Labcorp Genetics (formerly Invitae), Labcorp); PubMed 16786514 (cited by Labcorp Genetics (formerly Invitae), Labcorp); PubMed 20443122 (cited by Labcorp Genetics (formerly Invitae), Labcorp).

NM_000553.6(WRN):c.356-2A>C

Gene: WRN (WRN RecQ like helicase; plus strand). Cytogenetic location: 8p12.
Variant type: single nucleotide variant.
Coding change: c.356-2A>C on transcript NM_000553.6 (MANE Select); the canonical splice acceptor site of the intron before coding-DNA position 356, A replaced by C.
Molecular consequence: splice acceptor variant.
Genome position (GRCh38, 1-based): chr8:31,064,913, A>C. VCF-style: chr8-31064913-A-C. GRCh37 (hg19) VCF-style: chr8-30922429-A-C.
Identifiers: ClinVar variation 954955 (VCV000954955.9), dbSNP rs780068269, ClinGen allele CA4704055.